The following is an entry in ClinVar:

NM_152564.5(VPS13B):c.1934T>A (p.Leu645His)

Gene: VPS13B (vacuolar protein sorting 13 homolog B; plus strand). Cytogenetic location: 8q22.2.
Variant type: single nucleotide variant.
Coding change: c.1934T>A on transcript NM_152564.5 (MANE Select); coding-DNA position 1934, T replaced by A.
Protein change: p.Leu645His; replaces leucine 645 with histidine.
Molecular consequence: missense variant.
Genome position (GRCh38, 1-based): chr8:99,147,931, T>A. VCF-style: chr8-99147931-T-A. GRCh37 (hg19) VCF-style: chr8-100160159-T-A.
Other names: c.1934T>A, p.Leu645His (NM_015243.3, NM_017890.5); short protein forms L645H.
Identifiers: ClinVar variation 2168170 (VCV002168170.3), dbSNP rs762365698, ClinGen allele CA4822779.

ClinVar aggregate classification (germline): Uncertain significance. Review status: criteria provided, multiple submitters, no conflicts (2 of 4 stars). 3 submissions from 3 submitters: Uncertain significance (2). 1 of the submissions does not count toward it. Last evaluated 2023-05-05.

Conditions:
Cohen syndrome (COH1). Also called: PEPPER SYNDROME; Cutis verticis gyrata, retinitis pigmentosa, and sensorineural deafness. Identifiers: Orphanet 193, MedGen C0265223, MONDO:0008999, OMIM 216550.
VPS13B-related disorder. Also called: VPS13B-related condition.

Allele frequency attached by ClinVar (database versions not stated): ExAC 0.00001; gnomAD exomes 0.00002.
gnomAD v4.1: 11 of 1,613,896 alleles (0.00068%); highest among the groups gnomAD compares: Non-Finnish European, 0.00076%; no homozygotes.

Submissions (3):

Blueprint Genetics
Classification: Uncertain significance. Last evaluated: 2023-05-05. Review status: criteria provided, single submitter. Criteria: ACMG Guidelines, 2015. Collection method: clinical testing. Allele origin: germline.

Labcorp Genetics (formerly Invitae), Labcorp
Classification: Uncertain significance for Cohen syndrome. Last evaluated: 2022-03-04. Review status: criteria provided, single submitter. Criteria: Invitae Variant Classification Sherloc (09022015). Collection method: clinical testing. Allele origin: germline.
Comment: This sequence change replaces leucine, which is neutral and non-polar, with histidine, which is basic and polar, at codon 645 of the VPS13B protein (p.Leu645His). This variant is present in population databases (rs762365698, gnomAD 0.002%). This variant has not been reported in the literature in individuals affected with VPS13B-related conditions. Algorithms developed to predict the effect of missense changes on protein structure and function are either unavailable or do not agree on the potential impact of this missense change (SIFT: "Not Available"; PolyPhen-2: "Probably Damaging"; Align-GVGD: "Not Available"). In summary, the available evidence is currently insufficient to determine the role of this variant in disease. Therefore, it has been classified as a Variant of Uncertain Significance.

PreventionGenetics, part of Exact Sciences
Classification: Uncertain significance for VPS13B-related condition. Last evaluated: 2023-11-10. Review status: no assertion criteria provided. Collection method: clinical testing. Allele origin: germline. Not counted in ClinVar's aggregate classification.
Comment: The VPS13B c.1934T>A variant is predicted to result in the amino acid substitution p.Leu645His. To our knowledge, this variant has not been reported in the literature. This variant is reported in 0.00088% of alleles in individuals of European (Non-Finnish) descent in gnomAD. At this time, the clinical significance of this variant is uncertain due to the absence of conclusive functional and genetic evidence.